The following is an entry in ClinVar:

ClinVar aggregate classification (germline): Uncertain significance (1 of 4 stars; one submission).

gnomAD v4.1: 9 of 1,613,862 alleles (0.00056%); highest among the groups gnomAD compares: Admixed American, 0.005%; no homozygotes.

Submission:

Ambry Genetics
Classification: Uncertain significance. Last evaluated: 2024-10-05. Review status: criteria provided, single submitter. Criteria: Ambry Variant Classification Scheme 2023. Collection method: clinical testing. Allele origin: germline.
Comment: The p.I413V variant (also known as c.1237A>G), located in coding exon 5 of the WNK2 gene, results from an A to G substitution at nucleotide position 1237. The isoleucine at codon 413 is replaced by valine, an amino acid with highly similar properties. This amino acid position is conserved. In addition, this alteration is predicted to be tolerated by in silico analysis. Based on the available evidence, the clinical significance of this variant remains unclear.

NM_006648.4(WNK2):c.1237A>G (p.Ile413Val)

Gene: WNK2 (WNK lysine deficient protein kinase 2; plus strand). Cytogenetic location: 9q22.31.
Variant type: single nucleotide variant.
Coding change: c.1237A>G on transcript NM_006648.4 (MANE Select); coding-DNA position 1237, A replaced by G.
Protein change: p.Ile413Val; replaces isoleucine 413 with valine.
Molecular consequence: missense variant.
Genome position (GRCh38, 1-based): chr9:93,238,236, A>G. VCF-style: chr9-93238236-A-G. GRCh37 (hg19) VCF-style: chr9-96000518-A-G.
Other names: c.1237A>G, p.Ile413Val (NM_001282394.3); short protein forms I413V.
Identifiers: ClinVar variation 3470094 (VCV003470094.1).